The following is an entry in ClinVar:

ClinVar aggregate classification (germline): Pathogenic (1 of 4 stars; one submission).

Conditions:
Alstrom syndrome (ALMS). Identifiers: Orphanet 64, MedGen C0268425, MONDO:0008763, OMIM 203800.

Submission:

Labcorp Genetics (formerly Invitae), Labcorp
Classification: Pathogenic for Alstrom syndrome. Last evaluated: 2023-04-06. Review status: criteria provided, single submitter. Criteria: Invitae Variant Classification Sherloc (09022015). Collection method: clinical testing. Allele origin: germline.
Comment: For these reasons, this variant has been classified as Pathogenic. This premature translational stop signal has been observed in individual(s) with Alström syndrome (PMID: 17594715). This variant is not present in population databases (gnomAD no frequency). This sequence change creates a premature translational stop signal (p.Asn3952Lysfs*41) in the ALMS1 gene. It is expected to result in an absent or disrupted protein product. Loss-of-function variants in ALMS1 are known to be pathogenic (PMID: 17594715).

Literature cited by the submitters: PubMed 17594715.

NM_001378454.1(ALMS1):c.11853del (p.Asn3951fs)

Gene: ALMS1 (ALMS1 centrosome and basal body associated protein; plus strand). Cytogenetic location: 2p13.1.
Variant type: Deletion.
Coding change: c.11853del on transcript NM_001378454.1 (MANE Select); coding-DNA position 11853, one base deleted (C; older notation c.11853delC).
Protein change: p.Asn3951fs; shifts the reading frame from asparagine 3951.
Molecular consequence: frameshift variant.
Genome position (GRCh38, 1-based): chr2:73,600,862, C deleted. VCF-style (leftmost placement, unchanged base first): chr2-73600861-AC-A. GRCh37 (hg19) VCF-style: chr2-73827988-AC-A.
Other names: c.11856del, p.Asn3952fs (NM_015120.4); short protein forms N3951fs, N3952fs.
Identifiers: ClinVar variation 2734231 (VCV002734231.3), dbSNP rs2466520729, ClinGen allele CA2586969568.
Genomic context (GRCh38, chr2:73,600,861, plus strand): 5'-AAAAACGTGAAGAGAAAATGCTCTTTACCGGTTATCCTGAGGACAGAAAGTTAAAAAAGA[AC>A]AAGAAGAATTCCCATGAAGGTCAGTTTCTCATTCCAGATCTTGTAGTAGAGAAACTAGTG-3'